The following is an entry in ClinVar:

NM_130797.4(DPP6):c.160C>G (p.Arg54Gly)

Gene: DPP6 (dipeptidyl peptidase like 6; plus strand). Cytogenetic location: 7q36.2.
Variant type: single nucleotide variant.
Coding change: c.160C>G on transcript NM_130797.4 (MANE Select); coding-DNA position 160, C replaced by G.
Protein change: p.Arg54Gly; replaces arginine 54 with glycine.
Molecular consequence: missense variant. On other transcripts: intron variant (6).
Genome position (GRCh38, 1-based): chr7:154,052,980, C>G. VCF-style: chr7-154052980-C-G. GRCh37 (hg19) VCF-style: chr7-153750065-C-G.
Other names: c.160C>G, p.Arg54Gly (NM_001290253.2); c.60+303972C>G (NM_001364500.2, NM_001364499.2, NM_001364497.2 and 1 more transcripts); c.51+165246C>G (NM_001364501.2, NM_001039350.3); short protein forms R54G.
Identifiers: ClinVar variation 3257666 (VCV003257666.17).

ClinVar aggregate classification (germline): Benign (1 of 4 stars; one submission).

gnomAD v4.1: 1,072 of 1,093,746 alleles (0.098%); highest among the groups gnomAD compares: Non-Finnish European, 0.11%; no homozygotes.

Submission:

CeGaT Center for Human Genetics Tuebingen
Classification: Benign. Last evaluated: 2024-07-01. Review status: criteria provided, single submitter. Criteria: CeGaT Center For Human Genetics Tuebingen Variant Classification Criteria Version 2. Collection method: clinical testing. Allele origin: germline. Affected: yes. Observed: 1 variant allele.
Comment: DPP6: BS1, BS2